The following is an entry in ClinVar:

NM_005228.5(EGFR):c.2351C>T (p.Ser784Phe)

Genes: EGFR (epidermal growth factor receptor; plus strand), EGFR-AS1 (EGFR antisense RNA 1; minus strand). Cytogenetic location: 7p11.2.
Variant type: single nucleotide variant.
Coding change: c.2351C>T on transcript NM_005228.5 (MANE Select); coding-DNA position 2351, C replaced by T.
Protein change: p.Ser784Phe; replaces serine 784 with phenylalanine.
Molecular consequence: missense variant. On other transcripts: non-coding transcript variant (1).
Genome position (GRCh38, 1-based): chr7:55,181,360, C>T. VCF-style: chr7-55181360-C-T. GRCh37 (hg19) VCF-style: chr7-55249053-C-T.
Other names: c.2216C>T, p.Ser739Phe (NM_001346897.2, NM_001346899.2); c.2351C>T, p.Ser784Phe (NM_001346898.2); c.2192C>T, p.Ser731Phe (NM_001346900.2); c.1550C>T, p.Ser517Phe (NM_001346941.2); short protein forms S739F, S784F, S517F, S731F.
Identifiers: ClinVar variation 4826839 (VCV004826839.1).

ClinVar aggregate classification (germline): Uncertain significance (1 of 4 stars; one submission).

Conditions:
Hereditary cancer-predisposing syndrome. Also called: Neoplastic Syndromes, Hereditary; Tumor predisposition; Hereditary Cancer Syndrome; Hereditary neoplastic syndrome. Identifiers: Orphanet 140162, MedGen C0027672, MeSH D009386, MONDO:0015356.

gnomAD v4.1: 6 of 1,614,120 alleles (0.00037%); highest among the groups gnomAD compares: Non-Finnish European, 0.00051%; no homozygotes.

Submission:

Ambry Genetics
Classification: Uncertain significance for Hereditary cancer-predisposing syndrome. Last evaluated: 2026-02-27. Review status: criteria provided, single submitter. Criteria: Ambry Variant Classification Scheme 2023. Collection method: clinical testing. Allele origin: germline.
Comment: The p.S784F variant (also known as c.2351C>T), located in coding exon 20 of the EGFR gene, results from a C to T substitution at nucleotide position 2351. The serine at codon 784 is replaced by phenylalanine, an amino acid with highly dissimilar properties. This amino acid position is highly conserved in available vertebrate species. In addition, this alteration is predicted to be deleterious by in silico analysis. Based on the available evidence, the clinical significance of this variant remains unclear.